The following is an entry in ClinVar:

ClinVar aggregate classification (germline): Uncertain significance (1 of 4 stars; one submission).

Allele frequency attached by ClinVar (database versions not stated): TOPMed 0.00002; ExAC 0.00007.
gnomAD v4.1: 6 of 1,518,054 alleles (0.0004%); highest among the groups gnomAD compares: African/African-American, 0.0084%; no homozygotes.

Submission:

GeneDx
Classification: Uncertain significance. Last evaluated: 2025-09-04. Review status: criteria provided, single submitter. Criteria: GeneDx Variant Classification Process June 2021. Collection method: clinical testing. Allele origin: germline. Affected: yes.
Comment: Not observed at significant frequency in large population cohorts (gnomAD); Nucleotide is not conserved across species and the substitution has no predicted effect on splicing; Has not been previously published as pathogenic or benign to our knowledge; Located in a regulatory region; in the absence of functional studies, the actual effect of this sequence change is unknown

NM_058195.4(CDKN2A):c.194-3651G>A

Genes: CDKN2A (cyclin dependent kinase inhibitor 2A; minus strand), LOC130001603 (ATAC-STARR-seq lymphoblastoid silent region 19811; plus strand). Cytogenetic location: 9p21.3.
Variant type: single nucleotide variant.
Coding change: c.194-3651G>A on transcript NM_058195.4 (MANE Plus Clinical); 3651 bases into the intron before coding-DNA position 194, G replaced by A.
Molecular consequence: intron variant.
Genome position (GRCh38, 1-based): chr9:21,974,859, C>T on the plus strand (G>A on the coding strand, the complement: CDKN2A is on the minus strand). VCF-style: chr9-21974859-C-T. GRCh37 (hg19) VCF-style: chr9-21974858-C-T.
Other names: c.-32G>A (NM_000077.6); c.-3-3651G>A (NM_001363763.2).
Identifiers: ClinVar variation 418119 (VCV000418119.4), dbSNP rs754906913, ClinGen allele CA5012353.
Genomic context (GRCh38, chr9:21,974,859, plus strand): 5'-TCCATGCTGCTCCCCGCCGCCGGCTCCATGCTGCTCCCCGCCGCCCGCTGCCTGCTCTCC[C>T]CCTCTCCGCAGCCGCCGAGCGCACGCGGTCCGCCCCACCCTCTGGTGACCAGCCAGCCCC-3'